The following is an entry in ClinVar:

ClinVar aggregate classification (germline): Uncertain significance (1 of 4 stars; one submission).

Submission:

Labcorp Genetics (formerly Invitae), Labcorp
Classification: Uncertain significance. Last evaluated: 2023-02-25. Review status: criteria provided, single submitter. Criteria: Invitae Variant Classification Sherloc (09022015). Collection method: clinical testing. Allele origin: germline.
Comment: In summary, the available evidence is currently insufficient to determine the role of this variant in disease. Therefore, it has been classified as a Variant of Uncertain Significance. Variants that disrupt the consensus splice site are a relatively common cause of aberrant splicing (PMID: 17576681, 9536098). Algorithms developed to predict the effect of sequence changes on RNA splicing suggest that this variant is not likely to affect RNA splicing. This variant has not been reported in the literature in individuals affected with CYFIP2-related conditions. This variant is not present in population databases (gnomAD no frequency). This sequence change falls in intron 16 of the CYFIP2 gene. It does not directly change the encoded amino acid sequence of the CYFIP2 protein. It affects a nucleotide within the consensus splice site.

Literature cited by the submitters: PubMed 17576681; PubMed 9536098.

NM_001037333.3(CYFIP2):c.1825+3G>A

Gene: CYFIP2 (cytoplasmic FMR1 interacting protein 2; plus strand). Cytogenetic location: 5q33.3.
Variant type: single nucleotide variant.
Coding change: c.1825+3G>A on transcript NM_001037333.3 (MANE Select); 3 bases into the intron after coding-DNA position 1825, G replaced by A.
Molecular consequence: intron variant.
Genome position (GRCh38, 1-based): chr5:157,324,077, G>A. VCF-style: chr5-157324077-G-A. GRCh37 (hg19) VCF-style: chr5-156751085-G-A.
Other names: c.1900+3G>A (NM_001291722.2); c.1747+3G>A (NM_001291721.2); c.1825+3G>A (NM_014376.4).
Identifiers: ClinVar variation 2790966 (VCV002790966.3), dbSNP rs2532411883, ClinGen allele CA2739272759.